The following is an entry in ClinVar:

ClinVar aggregate classification (germline): Uncertain significance (1 of 4 stars; one submission).

Submission:

Labcorp Genetics (formerly Invitae), Labcorp
Classification: Uncertain significance. Last evaluated: 2022-07-01. Review status: criteria provided, single submitter. Criteria: Invitae Variant Classification Sherloc (09022015). Collection method: clinical testing. Allele origin: germline.
Comment: This variant has not been reported in the literature in individuals affected with AGBL5-related conditions. In summary, the available evidence is currently insufficient to determine the role of this variant in disease. Therefore, it has been classified as a Variant of Uncertain Significance. Variants that disrupt the consensus splice site are a relatively common cause of aberrant splicing (PMID: 17576681, 9536098). Algorithms developed to predict the effect of sequence changes on RNA splicing suggest that this variant may disrupt the consensus splice site. This variant is not present in population databases (gnomAD no frequency). This sequence change affects an acceptor splice site in intron 14 of the AGBL5 gene. While this variant is not anticipated to result in nonsense mediated decay, it likely alters RNA splicing and results in a disrupted protein product.

Literature cited by the submitters: PubMed 17576681; PubMed 9536098.

NM_021831.6(AGBL5):c.2490-2A>C

Gene: AGBL5 (AGBL carboxypeptidase 5; plus strand). Cytogenetic location: 2p23.3.
Variant type: single nucleotide variant.
Coding change: c.2490-2A>C on transcript NM_021831.6 (MANE Select); the canonical splice acceptor site of the intron before coding-DNA position 2490, A replaced by C.
Molecular consequence: splice acceptor variant.
Genome position (GRCh38, 1-based): chr2:27,070,090, A>C. VCF-style: chr2-27070090-A-C. GRCh37 (hg19) VCF-style: chr2-27292958-A-C.
Identifiers: ClinVar variation 2012811 (VCV002012811.4), dbSNP rs2465563533, ClinGen allele CA346142674.